The following is an entry in ClinVar:

ClinVar aggregate classification (germline): Likely benign. Review status: criteria provided, multiple submitters, no conflicts (2 of 4 stars). 3 submissions from 3 submitters: Likely benign (3). Last evaluated 2025-11-27.

Conditions:
PRDM13-related disorder. Also called: PRDM13-related condition.

Allele frequency attached by ClinVar (database versions not stated): gnomAD exomes 0.00005 and 0.00006; ExAC 0.00011; 1000 Genomes Project 30x 0.00016; gnomAD 0.00028; TOPMed 0.00033.
gnomAD v4.1: 112 of 1,475,840 alleles (0.0076%); highest among the groups gnomAD compares: African/African-American, 0.085%; no homozygotes.

Submissions (3):

Labcorp Genetics (formerly Invitae), Labcorp
Classification: Likely benign. Last evaluated: 2025-11-27. Review status: criteria provided, single submitter. Criteria: Invitae Variant Classification Sherloc (09022015). Collection method: clinical testing. Allele origin: germline.

PreventionGenetics, part of Exact Sciences
Classification: Likely benign for PRDM13-related condition. Last evaluated: 2025-03-19. Review status: criteria provided, single submitter. Criteria: ACMG Guidelines, 2015. Collection method: clinical testing. Allele origin: germline.
Comment: This variant is classified as likely benign based on ACMG/AMP sequence variant interpretation guidelines (Richards et al. 2015 PMID: 25741868, with internal and published modifications).

Blueprint Genetics
Classification: Likely benign. Last evaluated: 2024-09-16. Review status: criteria provided, single submitter. Criteria: ACMG Guidelines, 2015. Collection method: clinical testing. Allele origin: germline.

NM_021620.4(PRDM13):c.1104C>T (p.Leu368=)

Genes: PRDM13 (PR/SET domain 13; plus strand), LOC129996881 (ATAC-STARR-seq lymphoblastoid silent region 17422; plus strand). Cytogenetic location: 6q16.2.
Variant type: single nucleotide variant.
Coding change: c.1104C>T on transcript NM_021620.4 (MANE Select); coding-DNA position 1104, C replaced by T.
Protein change: p.Leu368=; no amino-acid change (leucine 368 retained).
Molecular consequence: synonymous variant.
Genome position (GRCh38, 1-based): chr6:99,613,739, C>T. VCF-style: chr6-99613739-C-T. GRCh37 (hg19) VCF-style: chr6-100061615-C-T.
Other names: c.1104C>T (NM_021620.3).
Identifiers: ClinVar variation 1080251 (VCV001080251.11), dbSNP rs765634189, ClinGen allele CA3936316.